The following is an entry in ClinVar:

ClinVar aggregate classification (germline): Conflicting classifications of pathogenicity. Review status: criteria provided, conflicting classifications (1 of 4 stars). 5 submissions from 5 submitters: Uncertain significance (2); Benign (1); Likely benign (2). Last evaluated 2026-09-01.

Conditions:
Inborn genetic diseases. Identifiers: MedGen C0950123, MeSH D030342.
Schaaf-Yang syndrome (SHFYNG). Also called: Arthrogryposis, distal, with hypopituitarism, intellectual disability, and facial anomalies; MAGEL2-related Prader-Willi-like syndrome. Identifiers: Orphanet 398069, MedGen C5575066, MONDO:0014243, OMIM 615547.

Allele frequency attached by ClinVar (database versions not stated): ExAC below 0.00001; gnomAD exomes 0.00025 and 0.00074; gnomAD 0.00040; TOPMed 0.00046; 1000 Genomes Project 30x 0.00047.
gnomAD v4.1: 441 of 1,474,750 alleles (0.03%); highest among the groups gnomAD compares: Admixed American, 0.11%; 3 homozygotes.

Submissions (5):

CeGaT Center for Human Genetics Tuebingen
Classification: Likely benign. Last evaluated: 2026-09-01. Review status: criteria provided, single submitter. Criteria: CeGaT Center For Human Genetics Tuebingen Variant Classification Criteria Version 2. Collection method: clinical testing. Allele origin: germline. Affected: yes. Observed: 2 variant alleles.
Comment: MAGEL2: BS1

Labcorp Genetics (formerly Invitae), Labcorp
Classification: Benign. Last evaluated: 2025-11-17. Review status: criteria provided, single submitter. Criteria: Invitae Variant Classification Sherloc (09022015). Collection method: clinical testing. Allele origin: germline.

Ambry Genetics
Classification: Likely benign for Inborn genetic diseases. Last evaluated: 2021-10-12. Review status: criteria provided, single submitter. Criteria: Ambry Variant Classification Scheme 2023. Collection method: clinical testing. Allele origin: germline.

New York Genome Center
Classification: Uncertain significance for Schaaf-Yang syndrome. Last evaluated: 2019-07-31. Review status: criteria provided, single submitter. Criteria: NYGC Assertion Criteria 2020. Collection method: clinical testing. Allele origin: inherited. Observed: 1 heterozygote. Study: CSER-NYCKidSeq.

Eurofins Ntd Llc (ga)
Classification: Uncertain significance. Last evaluated: 2014-11-24. Review status: criteria provided, single submitter. Criteria: EGL Classification Definitions 2015. Collection method: clinical testing. Allele origin: germline. Observed: 1 variant allele, 1 heterozygote.

NM_019066.5(MAGEL2):c.1175C>T (p.Thr392Met)

Gene: MAGEL2 (MAGE family member L2; minus strand). Cytogenetic location: 15q11.2.
Variant type: single nucleotide variant.
Coding change: c.1175C>T on transcript NM_019066.5 (MANE Select); coding-DNA position 1175, C replaced by T.
Protein change: p.Thr392Met; replaces threonine 392 with methionine.
Molecular consequence: missense variant.
Genome position (GRCh38, 1-based): chr15:23,646,568, G>A on the plus strand (C>T on the coding strand, the complement: MAGEL2 is on the minus strand). VCF-style: chr15-23646568-G-A. GRCh37 (hg19) VCF-style: chr15-23891715-G-A.
Other names: short protein forms T392M.
Identifiers: ClinVar variation 193406 (VCV000193406.32), dbSNP rs781777662, ClinGen allele CA238925.